The following is an entry in ClinVar:

ClinVar aggregate classification (germline): Uncertain significance (1 of 4 stars; one submission).

Submission:

Dasa
Classification: Uncertain significance. Last evaluated: 2025-11-13. Review status: criteria provided, single submitter. Criteria: DASA Assertion Criteria. Collection method: clinical testing. Allele origin: germline.
Comment: NM_000092.5(COL4A4):c.2164+1G>T affects a canonical splice site and is predicted to disrupt normal RNA splicing. This variant is rare in population databases. The currently available literature and clinical evidence are not sufficient to establish a definitive association between this variant and the reported condition. Therefore, this variant is classified as a variant of uncertain significance.

NM_000092.5(COL4A4):c.2164+1G>T

Gene: COL4A4 (collagen type IV alpha 4 chain; minus strand). Cytogenetic location: 2q36.3.
Variant type: single nucleotide variant.
Coding change: c.2164+1G>T on transcript NM_000092.5 (MANE Select); the canonical splice donor site of the intron after coding-DNA position 2164, G replaced by T.
Molecular consequence: splice donor variant.
Genome position (GRCh38, 1-based): chr2:227,060,135, C>A on the plus strand (G>T on the coding strand, the complement: COL4A4 is on the minus strand). VCF-style: chr2-227060135-C-A. GRCh37 (hg19) VCF-style: chr2-227924851-C-A.
Identifiers: ClinVar variation 4881904 (VCV004881904.2).